The following is an entry in ClinVar:

ClinVar aggregate classification (germline): Uncertain significance. Review status: criteria provided, multiple submitters, no conflicts (2 of 4 stars). 3 submissions from 3 submitters: Uncertain significance (3). Last evaluated 2026-07-01.

Allele frequency attached by ClinVar (database versions not stated): gnomAD 0.00002; gnomAD exomes 0.00003; TOPMed 0.00003; ExAC 0.00010; 1000 Genomes Project 0.00020; 1000 Genomes Project 30x 0.00031.
gnomAD v4.1: 23 of 1,605,164 alleles (0.0014%); highest among the groups gnomAD compares: Admixed American, 0.022%; no homozygotes.

Submissions (3):

CeGaT Center for Human Genetics Tuebingen
Classification: Uncertain significance. Last evaluated: 2026-07-01. Review status: criteria provided, single submitter. Criteria: CeGaT Center For Human Genetics Tuebingen Variant Classification Criteria Version 2. Collection method: clinical testing. Allele origin: germline. Affected: yes. Observed: 1 variant allele.
Comment: CACNA1B: PM2

Ambry Genetics
Classification: Uncertain significance. Last evaluated: 2024-07-27. Review status: criteria provided, single submitter. Criteria: Ambry Variant Classification Scheme 2023. Collection method: clinical testing. Allele origin: germline.

Labcorp Genetics (formerly Invitae), Labcorp
Classification: Uncertain significance. Last evaluated: 2022-05-16. Review status: criteria provided, single submitter. Criteria: Invitae Variant Classification Sherloc (09022015). Collection method: clinical testing. Allele origin: germline.
Comment: This sequence change replaces serine, which is neutral and polar, with arginine, which is basic and polar, at codon 2016 of the CACNA1B protein (p.Ser2016Arg). This variant is present in population databases (rs550009360, gnomAD 0.02%). This variant has not been reported in the literature in individuals affected with CACNA1B-related conditions. Advanced modeling of protein sequence and biophysical properties (such as structural, functional, and spatial information, amino acid conservation, physicochemical variation, residue mobility, and thermodynamic stability) performed at Invitae indicates that this missense variant is not expected to disrupt CACNA1B protein function. In summary, the available evidence is currently insufficient to determine the role of this variant in disease. Therefore, it has been classified as a Variant of Uncertain Significance.

NM_000718.4(CACNA1B):c.6048C>A (p.Ser2016Arg)

Gene: CACNA1B (calcium voltage-gated channel subunit alpha1 B; plus strand). Cytogenetic location: 9q34.3.
Variant type: single nucleotide variant.
Coding change: c.6048C>A on transcript NM_000718.4 (MANE Select); coding-DNA position 6048, C replaced by A.
Protein change: p.Ser2016Arg; replaces serine 2016 with arginine.
Molecular consequence: missense variant.
Genome position (GRCh38, 1-based): chr9:138,120,182, C>A. VCF-style: chr9-138120182-C-A. GRCh37 (hg19) VCF-style: chr9-141014634-C-A.
Other names: c.6048C>A (NM_000718.3); c.6048C>A, p.Ser2016Arg (NM_001243812.2); short protein forms S2016R.
Identifiers: ClinVar variation 2075975 (VCV002075975.3), dbSNP rs550009360, ClinGen allele CA5377595.